The following is an entry in ClinVar:

ClinVar aggregate classification (germline): Pathogenic (1 of 4 stars; one submission).

Submission:

ISCA Site 6
Classification: Pathogenic. Last evaluated: 2011-08-12. Review status: criteria provided, single submitter. Criteria: Kaminsky et al. (Genet Med. 2011). Collection method: clinical testing. Allele origin: unknown. Affected: yes. Observed: 1 variant allele.
Comment: Copy number variation identified through the course of routine clinical cytogenomic testing in postnatal populations. Clinical assertions have been curated as described in Kaminsky et al. 2011.

GRCh38/hg38 17q21.31(chr17:45616241-46136454)x1

Genes: CRHR1 (corticotropin releasing hormone receptor 1), KANSL1 (KAT8 regulatory NSL complex subunit 1), LINC02210 (long intergenic non-protein coding RNA 2210), LINC02210-CRHR1 (LINC02210-CRHR1 readthrough), MAPT (microtubule associated protein tau) and 6 more. Cytogenetic location: 17q21.31.
Variant type: copy number loss.
Change: copy number 1 (one copy instead of two) of chr17:45,616,241-46,136,454 (520.2 kb, GRCh38 coordinates, 1-based), cytogenetic band 17q21.31.
Identifiers: ClinVar variation 57526 (VCV000057526.2).